The following is an entry in ClinVar:

ClinVar aggregate classification (germline): Uncertain significance (1 of 4 stars; one submission).

Conditions:
Perlman syndrome (PRLMNS). Identifiers: Orphanet 2849, MedGen C0796113, MONDO:0009965, OMIM 267000.

Submission:

Labcorp Genetics (formerly Invitae), Labcorp
Classification: Uncertain significance for Perlman syndrome. Last evaluated: 2020-08-22. Review status: criteria provided, single submitter. Criteria: Invitae Variant Classification Sherloc (09022015). Collection method: clinical testing. Allele origin: germline.
Comment: In summary, the available evidence is currently insufficient to determine the role of this variant in disease. Therefore, it has been classified as a Variant of Uncertain Significance. Algorithms developed to predict the effect of missense changes on protein structure and function output the following: SIFT: "Tolerated"; PolyPhen-2: "Benign"; Align-GVGD: "Class C0". The arginine amino acid residue is found in multiple mammalian species, suggesting that this missense change does not adversely affect protein function. These predictions have not been confirmed by published functional studies and their clinical significance is uncertain. This variant has not been reported in the literature in individuals with DIS3L2-related conditions. This variant is not present in population databases (ExAC no frequency). This sequence change replaces glutamine with arginine at codon 538 of the DIS3L2 protein (p.Gln538Arg). The glutamine residue is weakly conserved and there is a small physicochemical difference between glutamine and arginine.

NM_152383.5(DIS3L2):c.1613A>G (p.Gln538Arg)

Gene: DIS3L2 (DIS3 like 3'-5' exoribonuclease 2; plus strand). Cytogenetic location: 2q37.1.
Variant type: single nucleotide variant.
Coding change: c.1613A>G on transcript NM_152383.5 (MANE Select); coding-DNA position 1613, A replaced by G.
Protein change: p.Gln538Arg; replaces glutamine 538 with arginine.
Molecular consequence: missense variant. On other transcripts: non-coding transcript variant (2), intron variant (1).
Genome position (GRCh38, 1-based): chr2:232,263,394, A>G. VCF-style: chr2-232263394-A-G. GRCh37 (hg19) VCF-style: chr2-233128104-A-G.
Other names: c.1581+32A>G (NM_001257281.2); short protein forms Q538R.
Identifiers: ClinVar variation 1055899 (VCV001055899.9), dbSNP rs2106281329, ClinGen allele CA350975666.
Genomic context (GRCh38, chr2:232,263,394, plus strand): 5'-CAGAGCATAGCAGCGAGGAGGTACACCAGGCCGTCTTGAATCTCCACGGAATTGCCAAGC[A>G]GTTACGCCAGCAGCGCTTTGTGGACGGCGCACTTCGTTTGGATCAGGTCAGTACGTGTTT-3'
Protein context (NP_689596.4, residues 528-548): AVLNLHGIAK[Gln538Arg]LRQQRFVDGA